The following is an entry in ClinVar:

ClinVar aggregate classification (germline): Uncertain significance (1 of 4 stars; one submission).

Allele frequency attached by ClinVar (database versions not stated): gnomAD 0.00009 and 0.00011; TOPMed 0.00011; ESP Exome Variant Server 0.00025.
gnomAD v4.1: 87 of 1,601,756 alleles (0.0054%); highest among the groups gnomAD compares: East Asian, 0.025%; no homozygotes.

Submission:

Labcorp Genetics (formerly Invitae), Labcorp
Classification: Uncertain significance. Last evaluated: 2022-10-14. Review status: criteria provided, single submitter. Criteria: Invitae Variant Classification Sherloc (09022015). Collection method: clinical testing. Allele origin: germline.
Comment: This sequence change replaces arginine, which is basic and polar, with cysteine, which is neutral and slightly polar, at codon 866 of the COL18A1 protein (p.Arg866Cys). This variant is present in population databases (rs372312684, gnomAD 0.03%). This variant has not been reported in the literature in individuals affected with COL18A1-related conditions. ClinVar contains an entry for this variant (Variation ID: 1439059). Experimental studies and prediction algorithms are not available or were not evaluated, and the functional significance of this variant is currently unknown. In summary, the available evidence is currently insufficient to determine the role of this variant in disease. Therefore, it has been classified as a Variant of Uncertain Significance.

NM_001379500.1(COL18A1):c.2596C>T (p.Arg866Cys)

Gene: COL18A1 (collagen type XVIII alpha 1 chain; plus strand). Cytogenetic location: 21q22.3.
Variant type: single nucleotide variant.
Coding change: c.2596C>T on transcript NM_001379500.1 (MANE Select); coding-DNA position 2596, C replaced by T.
Protein change: p.Arg866Cys; replaces arginine 866 with cysteine.
Molecular consequence: missense variant.
Genome position (GRCh38, 1-based): chr21:45,497,068, C>T. VCF-style: chr21-45497068-C-T. GRCh37 (hg19) VCF-style: chr21-46916982-C-T.
Other names: c.3136C>T, p.Arg1046Cys (NM_030582.4); c.3841C>T, p.Arg1281Cys (NM_130444.3); short protein forms R1046C, R866C, R1281C.
Identifiers: ClinVar variation 1439059 (VCV001439059.3), dbSNP rs372312684, ClinGen allele CA10067217.